The following is an entry in ClinVar:

ClinVar aggregate classification (germline): Uncertain significance (1 of 4 stars; one submission).

Submission:

Ambry Genetics
Classification: Uncertain significance. Last evaluated: 2025-03-05. Review status: criteria provided, single submitter. Criteria: Ambry Variant Classification Scheme 2023. Collection method: clinical testing. Allele origin: germline.
Comment: The p.K623N variant (also known as c.1869A>C), located in coding exon 2 of the CDK12 gene, results from an A to C substitution at nucleotide position 1869. The lysine at codon 623 is replaced by asparagine, an amino acid with similar properties. This amino acid position is conserved. In addition, this alteration is predicted to be tolerated by in silico analysis. Based on the available evidence, the clinical significance of this variant remains unclear.

NM_016507.4(CDK12):c.1869A>C (p.Lys623Asn)

Gene: CDK12 (cyclin dependent kinase 12; plus strand). Cytogenetic location: 17q12.
Variant type: single nucleotide variant.
Coding change: c.1869A>C on transcript NM_016507.4 (MANE Select); coding-DNA position 1869, A replaced by C.
Protein change: p.Lys623Asn; replaces lysine 623 with asparagine.
Molecular consequence: missense variant.
Genome position (GRCh38, 1-based): chr17:39,471,701, A>C. VCF-style: chr17-39471701-A-C. GRCh37 (hg19) VCF-style: chr17-37627954-A-C.
Other names: c.1869A>C, p.Lys623Asn (NM_015083.4); short protein forms K623N.
Identifiers: ClinVar variation 3830755 (VCV003830755.1).